The following is an entry in ClinVar:

ClinVar aggregate classification (germline): Benign/Likely benign. Review status: criteria provided, multiple submitters, no conflicts (2 of 4 stars). 4 submissions from 4 submitters: Benign (2); Likely benign (1). 1 of the submissions does not count toward it. Last evaluated 2026-08-01.

Conditions:
NSD2-related disorder. Also called: NSD2-related condition; NSD2 related disorders.

Allele frequency attached by ClinVar (database versions not stated): 1000 Genomes Project 0.00260; 1000 Genomes Project 30x 0.00265; ExAC 0.00449; TOPMed 0.00453; gnomAD exomes 0.00455 and 0.00725; gnomAD 0.00476 and 0.00478; ESP Exome Variant Server 0.00561.
gnomAD v4.1: 11,279 of 1,613,608 alleles (0.7%); highest among the groups gnomAD compares: Non-Finnish European, 0.85%; 50 homozygotes.

Submissions (4):

CeGaT Center for Human Genetics Tuebingen
Classification: Likely benign. Last evaluated: 2026-08-01. Review status: criteria provided, single submitter. Criteria: CeGaT Center For Human Genetics Tuebingen Variant Classification Criteria Version 2. Collection method: clinical testing. Allele origin: germline. Affected: yes. Observed: 21 variant alleles.
Comment: NSD2: BP4, BP7, BS2

Labcorp Genetics (formerly Invitae), Labcorp
Classification: Benign. Last evaluated: 2026-02-01. Review status: criteria provided, single submitter. Criteria: Invitae Variant Classification Sherloc (09022015). Collection method: clinical testing. Allele origin: germline.

Breakthrough Genomics
Classification: Benign. Review status: criteria provided, single submitter. Criteria: ACMG Guidelines, 2015. Collection method: not provided. Allele origin: germline. Inheritance: Autosomal dominant inheritance. Affected: yes.

PreventionGenetics, part of Exact Sciences
Classification: Benign for NSD2-related condition. Last evaluated: 2024-05-29. Review status: no assertion criteria provided. Collection method: clinical testing. Allele origin: germline. Not counted in ClinVar's aggregate classification.
Comment: This variant is classified as benign based on ACMG/AMP sequence variant interpretation guidelines (Richards et al. 2015 PMID: 25741868, with internal and published modifications).

NM_001042424.3(NSD2):c.198C>T (p.Asn66=)

Gene: NSD2 (nuclear receptor binding SET domain protein 2; plus strand). Cytogenetic location: 4p16.3.
Variant type: single nucleotide variant.
Coding change: c.198C>T on transcript NM_001042424.3 (MANE Select); coding-DNA position 198, C replaced by T.
Protein change: p.Asn66=; no amino-acid change (asparagine 66 retained).
Molecular consequence: synonymous variant.
Genome position (GRCh38, 1-based): chr4:1,900,852, C>T. VCF-style: chr4-1900852-C-T. GRCh37 (hg19) VCF-style: chr4-1902579-C-T.
Other names: c.198C>T, p.Asn66= (NM_007331.2, NM_133330.3, NM_133331.3 and 2 more transcripts).
Identifiers: ClinVar variation 348419 (VCV000348419.35), dbSNP rs140040537, ClinGen allele CA2811829.
Genomic context (GRCh38, chr4:1,900,852, plus strand): 5'-GTTCCTCAGCAAAGCCCAGCTCTCCAGTAGCCTGCAGGAGGGGGTCATGCAGAAGTTTAA[C>T]GGCCACGACGCCCTGCCCTTTATTCCAGCCGACAAGCTGAAAGATCTTACTTCCCGGGTG-3'
Protein context (NP_001035889.1, residues 56-76): SLQEGVMQKF[Asn66=]GHDALPFIPA